The following is an entry in ClinVar:

ClinVar aggregate classification (germline): Pathogenic/Likely pathogenic. Review status: criteria provided, multiple submitters, no conflicts (2 of 4 stars). 4 submissions from 4 submitters: Pathogenic (3); Likely pathogenic (1). Last evaluated 2025-09-23.

Conditions:
Microcephaly and chorioretinopathy 1. Also called: Microcephaly and chorioretinopathy, autosomal recessive, 1. Identifiers: MedGen C3278481, MONDO:0009624, OMIM 251270.

Submissions (4):

Women's Health and Genetics/Laboratory Corporation of America, LabCorp
Classification: Pathogenic for Microcephaly and chorioretinopathy 1. Last evaluated: 2025-09-23. Review status: criteria provided, single submitter. Criteria: LabCorp Variant Classification Summary - May 2015. Collection method: clinical testing. Allele origin: germline.
Comment: Variant summary: TUBGCP6 c.3893dupC (p.Gly1299TrpfsX69) results in a premature termination codon, predicted to cause a truncation of the encoded protein or absence of the protein due to nonsense mediated decay, which are commonly known mechanisms for disease. The variant allele was found at a frequency of 1.2e-05 in 247298 control chromosomes. To our knowledge, no occurrence of c.3893dupC in individuals affected with TUBGCP6-related conditions and no experimental evidence demonstrating its impact on protein function have been reported. ClinVar contains an entry for this variant (Variation ID: 372990). Based on the evidence outlined above, the variant was classified as pathogenic.

Labcorp Genetics (formerly Invitae), Labcorp
Classification: Pathogenic. Last evaluated: 2025-02-11. Review status: criteria provided, single submitter. Criteria: Invitae Variant Classification Sherloc (09022015). Collection method: clinical testing. Allele origin: germline.
Comment: This sequence change creates a premature translational stop signal (p.Gly1299Trpfs*69) in the TUBGCP6 gene. It is expected to result in an absent or disrupted protein product. Loss-of-function variants in TUBGCP6 are known to be pathogenic (PMID: 25344692). This variant is present in population databases (rs760024638, gnomAD 0.003%). This variant has not been reported in the literature in individuals affected with TUBGCP6-related conditions. ClinVar contains an entry for this variant (Variation ID: 372990). For these reasons, this variant has been classified as Pathogenic.

Daryl Scott Lab, Baylor College of Medicine
Classification: Pathogenic for Microcephaly and chorioretinopathy 1. Last evaluated: 2024-04-01. Review status: criteria provided, single submitter. Criteria: ACMG Guidelines, 2015. Collection method: clinical testing. Allele origin: maternal. Affected: yes. Observed: 1 compound heterozygote.
Comment: PVS1, PM2, PM3, PP1

GeneDx
Classification: Likely pathogenic. Last evaluated: 2016-06-30. Review status: criteria provided, single submitter. Criteria: GeneDx Variant Classification (06012015). Collection method: clinical testing. Allele origin: germline. Affected: yes.
Comment: The c.3893dupC variant in the TUBGCP6 gene has not been reported previously as a pathogenic variant nor as a benign variant, to our knowledge. The c.3893dupC variant causes a frameshift starting with codon Glycine 1299, changes this amino acid to a Tryptophan residue, and creates a premature Stop codon at position 69 of the new reading frame, denoted p.Gly1299TrpfsX69. This variant is predicted to cause loss of normal protein function either through protein truncation or nonsense-mediated mRNA decay. The c.3893dupC variant was not observed in approximately 6500 individuals of European and African American ancestry in the NHLBI Exome Sequencing Project, indicating it is not a common benign variant in these populations. The c.3893dupC variant is a strong candidate for a pathogenic variant, however the possibility it may be a rare benign variant cannot be excluded.

Literature cited by the submitters: PubMed 25344692 (cited by Labcorp Genetics (formerly Invitae), Labcorp).

NM_020461.4(TUBGCP6):c.3893dup (p.Gly1299fs)

Gene: TUBGCP6 (tubulin gamma complex component 6; minus strand). Cytogenetic location: 22q13.33.
Variant type: Duplication.
Coding change: c.3893dup on transcript NM_020461.4 (MANE Select); coding-DNA position 3893, one base duplicated (C; older notation c.3893dupC).
Protein change: p.Gly1299fs; shifts the reading frame from glycine 1299.
Molecular consequence: frameshift variant.
Genome position (GRCh38, 1-based): chr22:50,220,466, G duplicated on the plus strand (C on the coding strand, the reverse complement: TUBGCP6 is on the minus strand); the first of 6 consecutive G bases (chr22:50,220,466-50,220,471); duplicating any one gives the same sequence. VCF-style (leftmost placement, unchanged base first): chr22-50220465-A-AG. GRCh37 (hg19) VCF-style: chr22-50658894-A-AG.
Other names: c.3893dupC (NM_020461.4); short protein forms G1299fs.
Identifiers: ClinVar variation 372990 (VCV000372990.9), dbSNP rs760024638, ClinGen allele CA10307793.
Genomic context (GRCh38, chr22:50,220,465, plus strand): 5'-CCCACAGTCCAGCACAGTGCTCTGTGCTCCCAGGCTGAGCGCTGACTGGGACGTGTGGCC[A>AG]GGGGGGCTCTGTTGGGGCCTGGGTGTGTTGGGCTCAGCTTCTGGTGAGAGAGCCCCCAGC-3'